The following is an entry in ClinVar:

ClinVar aggregate classification (germline): Uncertain significance (0 of 4 stars; one submission).

Conditions:
RAB23-related disorder. Also called: RAB23-related condition.

gnomAD v4.1: 3 of 1,614,054 alleles (0.00019%); highest among the groups gnomAD compares: South Asian, 0.0033%; no homozygotes.

Submission:

PreventionGenetics, part of Exact Sciences
Classification: Uncertain significance for RAB23-related condition. Last evaluated: 2024-05-23. Review status: no assertion criteria provided. Collection method: clinical testing. Allele origin: germline.
Comment: The RAB23 c.653G>C variant is predicted to result in the amino acid substitution p.Arg218Thr. To our knowledge, this variant has not been reported in the literature. This variant is reported in 0.0033% of alleles in individuals of South Asian descent in gnomAD. At this time, the clinical significance of this variant is uncertain due to the absence of conclusive functional and genetic evidence.

NM_016277.5(RAB23):c.653G>C (p.Arg218Thr)

Gene: RAB23 (RAB23, member RAS oncogene family; minus strand). Cytogenetic location: 6p12.1.
Variant type: single nucleotide variant.
Coding change: c.653G>C on transcript NM_016277.5 (MANE Select); coding-DNA position 653, G replaced by C.
Protein change: p.Arg218Thr; replaces arginine 218 with threonine.
Molecular consequence: missense variant. On other transcripts: non-coding transcript variant (1).
Genome position (GRCh38, 1-based): chr6:57,190,522, C>G on the plus strand (G>C on the coding strand, the complement: RAB23 is on the minus strand). VCF-style: chr6-57190522-C-G. GRCh37 (hg19) VCF-style: chr6-57055320-C-G.
Other names: c.653G>C, p.Arg218Thr (NM_001278666.2, NM_001278667.2, NM_001278668.2 and 1 more transcripts); short protein forms R218T.
Identifiers: ClinVar variation 3347625 (VCV003347625.1).